The following is an entry in ClinVar:

NM_000455.5(STK11):c.598G>T (p.Ala200Ser)

Gene: STK11 (serine/threonine kinase 11; plus strand). Cytogenetic location: 19p13.3.
Variant type: single nucleotide variant.
Coding change: c.598G>T on transcript NM_000455.5 (MANE Select); coding-DNA position 598, G replaced by T.
Protein change: p.Ala200Ser; replaces alanine 200 with serine.
Molecular consequence: missense variant. On other transcripts: non-coding transcript variant (1).
Genome position (GRCh38, 1-based): chr19:1,220,581, G>T. VCF-style: chr19-1220581-G-T. GRCh37 (hg19) VCF-style: chr19-1220580-G-T.
Other names: c.598G>T, p.Ala200Ser (NM_001407255.1); short protein forms A200S.
Identifiers: ClinVar variation 2774539 (VCV002774539.2), dbSNP rs1568707988, ClinGen allele CA402949401.

ClinVar aggregate classification (germline): Uncertain significance (1 of 4 stars; one submission).

Conditions:
Hereditary cancer-predisposing syndrome. Also called: Neoplastic Syndromes, Hereditary; Tumor predisposition; Hereditary Cancer Syndrome; Hereditary neoplastic syndrome. Identifiers: Orphanet 140162, MedGen C0027672, MeSH D009386, MONDO:0015356.

Submission:

Color Diagnostics, LLC DBA Color Health
Classification: Uncertain significance for Hereditary cancer-predisposing syndrome. Last evaluated: 2022-04-18. Review status: criteria provided, single submitter. Criteria: ACMG Guidelines, 2015. Collection method: clinical testing. Allele origin: germline.
Comment: This missense variant replaces alanine with serine at codon 200 of the STK11 protein. Computational prediction suggests that this variant may not impact protein structure and function (internally defined REVEL score threshold <= 0.5, PMID: 27666373). Splice site prediction tools suggest that this variant may impact RNA splicing. To our knowledge, functional studies have not been reported for this variant. This variant has not been reported in individuals affected with hereditary cancer in the literature. This variant has not been identified in the general population by the Genome Aggregation Database (gnomAD). The available evidence is insufficient to determine the role of this variant in disease conclusively. Therefore, this variant is classified as a Variant of Uncertain Significance.